The following is an entry in ClinVar:

ClinVar aggregate classification (germline): Uncertain significance (1 of 4 stars; one submission).

gnomAD v4.1: 9 of 1,613,978 alleles (0.00056%); highest among the groups gnomAD compares: Non-Finnish European, 0.00068%; no homozygotes.

Submission:

Labcorp Genetics (formerly Invitae), Labcorp
Classification: Uncertain significance. Last evaluated: 2025-04-23. Review status: criteria provided, single submitter. Criteria: Invitae Variant Classification Sherloc (09022015). Collection method: clinical testing. Allele origin: germline.
Comment: This sequence change replaces glycine, which is neutral and non-polar, with aspartic acid, which is acidic and polar, at codon 281 of the NEUROD1 protein (p.Gly281Asp). This variant is not present in population databases (gnomAD no frequency). This variant has not been reported in the literature in individuals affected with NEUROD1-related conditions. Invitae Evidence Modeling of protein sequence and biophysical properties (such as structural, functional, and spatial information, amino acid conservation, physicochemical variation, residue mobility, and thermodynamic stability) indicates that this missense variant is expected to disrupt NEUROD1 protein function with a positive predictive value of 80%. In summary, the available evidence is currently insufficient to determine the role of this variant in disease. Therefore, it has been classified as a Variant of Uncertain Significance.

NM_002500.5(NEUROD1):c.842G>A (p.Gly281Asp)

Gene: NEUROD1 (neuronal differentiation 1; minus strand). Cytogenetic location: 2q31.3.
Variant type: single nucleotide variant.
Coding change: c.842G>A on transcript NM_002500.5 (MANE Select); coding-DNA position 842, G replaced by A.
Protein change: p.Gly281Asp; replaces glycine 281 with aspartic acid.
Molecular consequence: missense variant.
Genome position (GRCh38, 1-based): chr2:181,678,019, C>T on the plus strand (G>A on the coding strand, the complement: NEUROD1 is on the minus strand). VCF-style: chr2-181678019-C-T. GRCh37 (hg19) VCF-style: chr2-182542746-C-T.
Other names: short protein forms G281D.
Identifiers: ClinVar variation 4767514 (VCV004767514.1).